The following is an entry in ClinVar:

NM_000264.5(PTCH1):c.2582G>A (p.Ser861Asn)

Gene: PTCH1 (patched 1; minus strand). Cytogenetic location: 9q22.32.
Variant type: single nucleotide variant.
Coding change: c.2582G>A on transcript NM_000264.5 (MANE Select); coding-DNA position 2582, G replaced by A.
Protein change: p.Ser861Asn; replaces serine 861 with asparagine.
Molecular consequence: missense variant. On other transcripts: non-coding transcript variant (1).
Genome position (GRCh38, 1-based): chr9:95,461,977, C>T on the plus strand (G>A on the coding strand, the complement: PTCH1 is on the minus strand). VCF-style: chr9-95461977-C-T. GRCh37 (hg19) VCF-style: chr9-98224259-C-T.
Other names: c.2582G>A (NM_000264.3); c.2384G>A, p.Ser795Asn (NM_001083602.3); c.2579G>A, p.Ser860Asn (NM_001083603.3); c.2129G>A, p.Ser710Asn (NM_001083604.3, NM_001083605.3, NM_001083606.3 and 1 more transcripts); c.2426G>A, p.Ser809Asn (NM_001354918.2); short protein forms S795N, S860N, S710N, S809N, S861N.
Identifiers: ClinVar variation 1421566 (VCV001421566.11), dbSNP rs2136689511, ClinGen allele CA374113547.

ClinVar aggregate classification (germline): Conflicting classifications of pathogenicity. Review status: criteria provided, conflicting classifications (1 of 4 stars). 2 submissions from 2 submitters: Uncertain significance (1); Likely benign (1). Last evaluated 2025-07-08.

Conditions:
Gorlin syndrome. Also called: Nevoid Basal Cell Carcinoma Syndrome; Basal cell nevus syndrome. Identifiers: Orphanet 377, MedGen C0004779, MONDO:0007187.
Hereditary cancer-predisposing syndrome. Also called: Hereditary neoplastic syndrome; Tumor predisposition; Hereditary Cancer Syndrome; Neoplastic Syndromes, Hereditary. Identifiers: Orphanet 140162, MedGen C0027672, MeSH D009386, MONDO:0015356.

Submissions (2):

Ambry Genetics
Classification: Likely benign for Hereditary cancer-predisposing syndrome. Last evaluated: 2025-07-08. Review status: criteria provided, single submitter. Criteria: Ambry Variant Classification Scheme 2023. Collection method: clinical testing. Allele origin: germline.

Labcorp Genetics (formerly Invitae), Labcorp
Classification: Uncertain significance for Gorlin syndrome. Last evaluated: 2020-12-22. Review status: criteria provided, single submitter. Criteria: Invitae Variant Classification Sherloc (09022015). Collection method: clinical testing. Allele origin: germline.
Comment: In summary, the available evidence is currently insufficient to determine the role of this variant in disease. Therefore, it has been classified as a Variant of Uncertain Significance. Advanced modeling of protein sequence and biophysical properties (such as structural, functional, and spatial information, amino acid conservation, physicochemical variation, residue mobility, and thermodynamic stability) performed at Invitae indicates that this missense variant is not expected to disrupt PTCH1 protein function. This variant has not been reported in the literature in individuals with PTCH1-related conditions. This variant is not present in population databases (ExAC no frequency). This sequence change replaces serine with asparagine at codon 861 of the PTCH1 protein (p.Ser861Asn). The serine residue is weakly conserved and there is a small physicochemical difference between serine and asparagine.